The following is an entry in ClinVar:

ClinVar aggregate classification (germline): Uncertain significance (1 of 4 stars; one submission).

Conditions:
Alzheimer disease. Also called: Presenile and senile dementia; Alzheimer's disease. Identifiers: Orphanet 1020, MedGen C0002395, MeSH D000544, MONDO:0004975, HP:0002511.

Allele frequency attached by ClinVar (database versions not stated): gnomAD exomes below 0.00001; TOPMed below 0.00001.
gnomAD v4.1: 2 of 1,614,152 alleles (0.00012%); highest among the groups gnomAD compares: Non-Finnish European, 0.00017%; no homozygotes.

Submission:

Labcorp Genetics (formerly Invitae), Labcorp
Classification: Uncertain significance for Alzheimer disease. Last evaluated: 2025-09-15. Review status: criteria provided, single submitter. Criteria: Invitae Variant Classification Sherloc (09022015). Collection method: clinical testing. Allele origin: germline.
Comment: This sequence change replaces isoleucine, which is neutral and non-polar, with valine, which is neutral and non-polar, at codon 69 of the APP protein (p.Ile69Val). This variant is present in population databases (no rsID available, gnomAD 0.0009%). This variant has not been reported in the literature in individuals affected with APP-related conditions. ClinVar contains an entry for this variant (Variation ID: 2050255). Invitae Evidence Modeling of protein sequence and biophysical properties (such as structural, functional, and spatial information, amino acid conservation, physicochemical variation, residue mobility, and thermodynamic stability) indicates that this missense variant is not expected to disrupt APP protein function with a negative predictive value of 95%. In summary, the available evidence is currently insufficient to determine the role of this variant in disease. Therefore, it has been classified as a Variant of Uncertain Significance.

NM_000484.4(APP):c.205A>G (p.Ile69Val)

Gene: APP (amyloid beta precursor protein; minus strand). Cytogenetic location: 21q21.3.
Variant type: single nucleotide variant.
Coding change: c.205A>G on transcript NM_000484.4 (MANE Select); coding-DNA position 205, A replaced by G.
Protein change: p.Ile69Val; replaces isoleucine 69 with valine.
Molecular consequence: missense variant. On other transcripts: intron variant (2).
Genome position (GRCh38, 1-based): chr21:26,111,999, T>C on the plus strand (A>G on the coding strand, the complement: APP is on the minus strand). VCF-style: chr21-26111999-T-C. GRCh37 (hg19) VCF-style: chr21-27484316-T-C.
Other names: c.190A>G, p.Ile64Val (NM_001136016.3); c.100A>G, p.Ile34Val (NM_001136131.3); c.205A>G, p.Ile69Val (NM_001204301.2, NM_001204302.2, NM_001204303.2 and 3 more transcripts); c.58-21927A>G (NM_001136129.3, NM_001136130.3); short protein forms I34V, I69V, I64V.
Identifiers: ClinVar variation 2050255 (VCV002050255.4), dbSNP rs1428253800, ClinGen allele CA410166841.
Genomic context (GRCh38, chr21:26,111,999, plus strand): 5'-GTGATCCAACGTGAATTGCTAGCCACCGGACAGGACTTACTTCTTGGCAATACTGCAGGA[T>C]GCCTTCCTTGGTATCAATGCAGGTTTTGGTCCCTGATGGATCTGAATCCCACTTCCCATT-3'
Protein context (NP_000475.1, residues 59-79): TKTCIDTKEG[Ile69Val]LQYCQEVYPE